The following is an entry in ClinVar:

ClinVar aggregate classification (germline): Pathogenic (1 of 4 stars; one submission).

Conditions:
Hyperinsulinemic hypoglycemia, familial, 1 (HHF1). Also called: HYPERINSULINISM, FAMILIAL, WITH PANCREATIC NESIDIOBLASTOSIS; HYPOGLYCEMIA, HYPERINSULINEMIC, OF INFANCY; NESIDIOBLASTOSIS OF PANCREAS; Persistent Hyperinsulinemia Hypoglycemia of Infancy; Persistent hyperinsulinemic hypoglycemia of infancy. Identifiers: Orphanet 276575, Orphanet 276598, MedGen C2931832, MONDO:0009734, OMIM 256450.

Submission:

Myriad Genetics, Inc.
Classification: Pathogenic for Hyperinsulinemic hypoglycemia, familial, 1. Last evaluated: 2023-09-10. Review status: criteria provided, single submitter. Criteria: Myriad Autosomal Dominant, Autosomal Recessive and X-Linked Classification Criteria (2023). Collection method: clinical testing. Allele origin: unknown.
Comment: NM_000352.3(ABCC8):c.1838_1839insTTAC(L614Yfs*9) is expected to be pathogenic in the context of familial hyperinsulinism, ABCC8-related. This variant is predicted to lead to an abnormal or absent protein product due to the creation of a premature termination codon in ABCC8, a gene where loss-of-function variants are known to be pathogenic. Please note: this variant was assessed in the context of healthy population screening.

NM_000352.6(ABCC8):c.1838_1839insTTAC (p.Leu614fs)

Gene: ABCC8 (ATP binding cassette subfamily C member 8; minus strand). Cytogenetic location: 11p15.1.
Variant type: Insertion.
Coding change: c.1838_1839insTTAC on transcript NM_000352.6 (MANE Select); coding-DNA positions 1838 to 1839, TTAC inserted.
Protein change: p.Leu614fs; shifts the reading frame from leucine 614.
Molecular consequence: frameshift variant. On other transcripts: non-coding transcript variant (1).
Genome position: GRCh38 VCF-style: chr11-17428649-G-GGTAA. GRCh37 (hg19) VCF-style: chr11-17450196-G-GGTAA.
Other names: c.1838_1839insTTAC, p.Leu614fs (NM_001287174.3, NM_001351295.2); c.1835_1836insTTAC, p.Leu613fs (NM_001351296.2, NM_001351297.2); short protein forms L613fs, L614fs.
Identifiers: ClinVar variation 5011632 (VCV005011632.1).